The following is an entry in ClinVar:

ClinVar aggregate classification (germline): Uncertain significance. Review status: criteria provided, multiple submitters, no conflicts (2 of 4 stars). 2 submissions from 2 submitters: Uncertain significance (2). Last evaluated 2022-08-22.

Conditions:
Nemaline myopathy 2 (NEM2). Also called: Nemaline myopathy 2, autosomal recessive. Identifiers: MedGen C1850569, MONDO:0009725, OMIM 256030.

Allele frequency attached by ClinVar (database versions not stated): gnomAD 0.00001; gnomAD exomes 0.00001; TOPMed 0.00001.
gnomAD v4.1: 13 of 1,610,234 alleles (0.00081%); highest among the groups gnomAD compares: African/African-American, 0.0013%; no homozygotes.

Submissions (2):

Labcorp Genetics (formerly Invitae), Labcorp
Classification: Uncertain significance for Nemaline myopathy 2. Last evaluated: 2022-08-22. Review status: criteria provided, single submitter. Criteria: Invitae Variant Classification Sherloc (09022015). Collection method: clinical testing. Allele origin: germline.
Comment: This sequence change replaces lysine, which is basic and polar, with arginine, which is basic and polar, at codon 6579 of the NEB protein (p.Lys6579Arg). This variant is present in population databases (no rsID available, gnomAD 0.002%). This variant has not been reported in the literature in individuals affected with NEB-related conditions. Algorithms developed to predict the effect of missense changes on protein structure and function are either unavailable or do not agree on the potential impact of this missense change (SIFT: "Deleterious"; PolyPhen-2: "Not Available"; Align-GVGD: "Class C0"). Algorithms developed to predict the effect of sequence changes on RNA splicing suggest that this variant may create or strengthen a splice site. In summary, the available evidence is currently insufficient to determine the role of this variant in disease. Therefore, it has been classified as a Variant of Uncertain Significance.

Revvity Omics, Revvity
Classification: Uncertain significance. Last evaluated: 2021-05-27. Review status: criteria provided, single submitter. Criteria: ACMG Guidelines, 2015. Collection method: clinical testing. Allele origin: germline.

NM_001164508.2(NEB):c.19736A>G (p.Lys6579Arg)

Gene: NEB (nebulin; minus strand). Cytogenetic location: 2q23.3.
Variant type: single nucleotide variant.
Coding change: c.19736A>G on transcript NM_001164508.2 (MANE Select); coding-DNA position 19736, A replaced by G.
Protein change: p.Lys6579Arg; replaces lysine 6579 with arginine.
Molecular consequence: missense variant.
Genome position (GRCh38, 1-based): chr2:151,552,772, T>C on the plus strand (A>G on the coding strand, the complement: NEB is on the minus strand). VCF-style: chr2-151552772-T-C. GRCh37 (hg19) VCF-style: chr2-152409286-T-C.
Other names: c.19736A>G, p.Lys6579Arg (NM_001164507.2, NM_001271208.2); c.14633A>G, p.Lys4878Arg (NM_004543.5); short protein forms K6579R, K4878R.
Identifiers: ClinVar variation 2039270 (VCV002039270.4), dbSNP rs909344830, ClinGen allele CA57647566.